The following is an entry in ClinVar:

ClinVar aggregate classification (germline): Conflicting classifications of pathogenicity. Review status: criteria provided, conflicting classifications (1 of 4 stars). 2 submissions from 2 submitters: Uncertain significance (1); Likely benign (1). Last evaluated 2026-02-09.

Conditions:
Retinal disorder. Also called: Retinopathy; Retinopathies; Retinal Diseases; Retinal disorders. Identifiers: MedGen C0035309, MONDO:0005283, HP:0000488.

Submissions (2):

Genetics Laboratory, Great Ormond Street Hospital NHS Foundation Trust, North Thames Genomic Laboratory Hub
Classification: Uncertain significance for Retinal disorders. Last evaluated: 2026-02-09. Review status: criteria provided, single submitter. Criteria: ACGS Best Practice Guidelines for Variant Classification in Rare Disease 2024 v1.2. Collection method: clinical testing. Allele origin: germline. Affected: yes.
Comment: PVS1_strong

Blueprint Genetics
Classification: Likely benign. Last evaluated: 2023-01-17. Review status: criteria provided, single submitter. Criteria: ACMG Guidelines, 2015. Collection method: clinical testing. Allele origin: germline.

NM_001375654.1(RP1):c.1490del (p.Gln497fs)

Gene: RP1 (RP1 axonemal microtubule associated; plus strand). Cytogenetic location: 8q12.1.
Variant type: Deletion.
Coding change: c.1490del on transcript NM_001375654.1; coding-DNA position 1490, one base deleted (A; older notation c.1490delA).
Protein change: p.Gln497fs; shifts the reading frame from glutamine 497.
Molecular consequence: frameshift variant.
Genome position (GRCh38, 1-based): chr8:54,679,431, A deleted. VCF-style (leftmost placement, unchanged base first): chr8-54679430-CA-C. GRCh37 (hg19) VCF-style: chr8-55591990-CA-C.
Other names: short protein forms Q497fs.
Identifiers: ClinVar variation 4819961 (VCV004819961.2).
Genomic context (GRCh38, chr8:54,679,430, plus strand): 5'-TAATGTAAATATAAAGTCTGAAAATAATCGATACACTTTTCTTTTCACAGATGGCTAGAT[CA>C]GGGGGAAGATGATTGTAAAATTGTCAGAGAACTGTATGCCAGGGATAACAGTATCTTCTC-3'